The following is an entry in ClinVar:

ClinVar aggregate classification (germline): Uncertain significance. Review status: criteria provided, multiple submitters, no conflicts (2 of 4 stars). 2 submissions from 2 submitters: Uncertain significance (2). Last evaluated 2023-12-11.

Conditions:
Chédiak-Higashi syndrome (CHS). Also called: Chediak-Higashi Syndrome. Identifiers: Orphanet 167, MedGen C0007965, MONDO:0008963, OMIM 214500.

Allele frequency attached by ClinVar (database versions not stated): ExAC 0.00001.
gnomAD v4.1: 4 of 1,614,114 alleles (0.00025%); highest among the groups gnomAD compares: Non-Finnish European, 0.00034%; no homozygotes.

Submissions (2):

Labcorp Genetics (formerly Invitae), Labcorp
Classification: Uncertain significance for Chédiak-Higashi syndrome. Last evaluated: 2023-12-11. Review status: criteria provided, single submitter. Criteria: Invitae Variant Classification Sherloc (09022015). Collection method: clinical testing. Allele origin: germline.
Comment: This sequence change replaces lysine, which is basic and polar, with asparagine, which is neutral and polar, at codon 393 of the LYST protein (p.Lys393Asn). This variant is present in population databases (rs755742104, gnomAD 0.0009%). This variant has not been reported in the literature in individuals affected with LYST-related conditions. ClinVar contains an entry for this variant (Variation ID: 1061665). Advanced modeling of protein sequence and biophysical properties (such as structural, functional, and spatial information, amino acid conservation, physicochemical variation, residue mobility, and thermodynamic stability) performed at Invitae indicates that this missense variant is not expected to disrupt LYST protein function with a negative predictive value of 80%. In summary, the available evidence is currently insufficient to determine the role of this variant in disease. Therefore, it has been classified as a Variant of Uncertain Significance.

Blueprint Genetics
Classification: Uncertain significance. Last evaluated: 2021-12-09. Review status: criteria provided, single submitter. Criteria: ACMG Guidelines, 2015. Collection method: clinical testing. Allele origin: germline.

NM_000081.4(LYST):c.1179G>C (p.Lys393Asn)

Gene: LYST (lysosomal trafficking regulator; minus strand). Cytogenetic location: 1q42.3.
Variant type: single nucleotide variant.
Coding change: c.1179G>C on transcript NM_000081.4 (MANE Select); coding-DNA position 1179, G replaced by C.
Protein change: p.Lys393Asn; replaces lysine 393 with asparagine.
Molecular consequence: missense variant.
Genome position (GRCh38, 1-based): chr1:235,809,639, C>G on the plus strand (G>C on the coding strand, the complement: LYST is on the minus strand). VCF-style: chr1-235809639-C-G. GRCh37 (hg19) VCF-style: chr1-235972939-C-G.
Other names: c.1179G>C, p.Lys393Asn (NM_001301365.1); short protein forms K393N.
Identifiers: ClinVar variation 1061665 (VCV001061665.7), dbSNP rs755742104, ClinGen allele CA1467501.